The following is an entry in ClinVar:

ClinVar aggregate classification (germline): Likely pathogenic. Review status: criteria provided, multiple submitters, no conflicts (2 of 4 stars). 2 submissions from 2 submitters: Likely pathogenic (2). Last evaluated 2026-08-19.

Conditions:
IFT74-related disorder. Also called: IFT74-related condition; IFT74-Related Disorders.

Allele frequency attached by ClinVar (database versions not stated): TOPMed below 0.00001; gnomAD exomes 0.00001.
gnomAD v4.1: 10 of 1,579,274 alleles (0.00063%); highest among the groups gnomAD compares: Non-Finnish European, 0.00086%; no homozygotes.

Submissions (2):

PreventionGenetics, part of Exact Sciences
Classification: Likely pathogenic for IFT74-related condition. Last evaluated: 2026-08-19. Review status: criteria provided, single submitter. Criteria: ACMG Guidelines, 2015. Collection method: clinical testing. Allele origin: germline.
Comment: The IFT74 c.789+2T>G variant is predicted to disrupt the GT donor site and interfere with normal splicing. This variant has been reported in the homozygous state in an individual with short-rib polydactyly (Bakey et al. 2023. PubMed ID: 37315079). This variant has not been reported in a large population database (gnomAD), indicating this variant is rare. Variants that disrupt the consensus splice donor site in IFT74 are expected to be pathogenic. This variant is interpreted as likely pathogenic.

Labcorp Genetics (formerly Invitae), Labcorp
Classification: Likely pathogenic. Last evaluated: 2025-02-25. Review status: criteria provided, single submitter. Criteria: Invitae Variant Classification Sherloc (09022015). Collection method: clinical testing. Allele origin: germline.
Comment: This sequence change affects a donor splice site in intron 10 of the IFT74 gene. It is expected to disrupt RNA splicing. Variants that disrupt the donor or acceptor splice site typically lead to a loss of protein function (PMID: 16199547), and loss-of-function variants in IFT74 are known to be pathogenic (PMID: 33531668). This variant is not present in population databases (gnomAD no frequency). Disruption of this splice site has been observed in individual(s) with jeune asphyxiating thoracic dystrophy (PMID: 37315079). ClinVar contains an entry for this variant (Variation ID: 3004872). Algorithms developed to predict the effect of sequence changes on RNA splicing suggest that this variant may disrupt the consensus splice site. In summary, the currently available evidence indicates that the variant is pathogenic, but additional data are needed to prove that conclusively. Therefore, this variant has been classified as Likely Pathogenic.

Literature cited by the submitters: PubMed 16199547 (cited by Labcorp Genetics (formerly Invitae), Labcorp); PubMed 33531668 (cited by Labcorp Genetics (formerly Invitae), Labcorp); PubMed 37315079 (cited by Labcorp Genetics (formerly Invitae), Labcorp).

NM_025103.4(IFT74):c.789+2T>G

Gene: IFT74 (intraflagellar transport 74; plus strand). Cytogenetic location: 9p21.2.
Variant type: single nucleotide variant.
Coding change: c.789+2T>G on transcript NM_025103.4 (MANE Select); the canonical splice donor site of the intron after coding-DNA position 789, T replaced by G.
Molecular consequence: splice donor variant.
Genome position (GRCh38, 1-based): chr9:27,011,970, T>G. VCF-style: chr9-27011970-T-G. GRCh37 (hg19) VCF-style: chr9-27011968-T-G.
Other names: c.789+2T>G (NM_001099223.3, NM_001099222.3, NM_001349928.2 and 2 more transcripts).
Identifiers: ClinVar variation 3004872 (VCV003004872.4), dbSNP rs1334343532, ClinGen allele CA373117959.